The following is an entry in ClinVar:

ClinVar aggregate classification (germline): Uncertain significance (1 of 4 stars; one submission).

Conditions:
Familial intrahepatic cholestasis. Identifiers: Orphanet 284385, MedGen CN296401, MONDO:0017290.

gnomAD v4.1: 2 of 1,613,638 alleles (0.00012%); highest among the groups gnomAD compares: Non-Finnish European, 0.00017%; no homozygotes.

Submission:

Genomenon, Inc
Classification: Uncertain significance for Familial intrahepatic cholestasis. Last evaluated: 2026-04-14. Review status: criteria provided, single submitter. Criteria: Genomenon Sequence Variant Interpretation Standards - Updated. Collection method: curation. Allele origin: germline. Affected: yes.
Comment: ABCB11 p.Leu1313Pro (c.3938T>C) is a missense variant that changes the amino acid at residue 1313 from Leucine to Proline. This variant has been observed in at least one proband with an ABCB11-related disorder (PMID:39960943). It is absent or not present at a significant frequency in gnomAD. In silico models predict that this variant is possibly or probably damaging. In conclusion, we classify ABCB11 p.Leu1313Pro (c.3938T>C) as a variant of uncertain significance.

Literature cited by the submitters: PubMed 39960943.

NM_003742.4(ABCB11):c.3938T>C (p.Leu1313Pro)

Gene: ABCB11 (ATP binding cassette subfamily B member 11; minus strand). Cytogenetic location: 2q31.1.
Variant type: single nucleotide variant.
Coding change: c.3938T>C on transcript NM_003742.4 (MANE Select); coding-DNA position 3938, T replaced by C.
Protein change: p.Leu1313Pro; replaces leucine 1313 with proline.
Molecular consequence: missense variant.
Genome position (GRCh38, 1-based): chr2:168,923,650, A>G on the plus strand (T>C on the coding strand, the complement: ABCB11 is on the minus strand). VCF-style: chr2-168923650-A-G. GRCh37 (hg19) VCF-style: chr2-169780160-A-G.
Other names: short protein forms L1313P.
Identifiers: ClinVar variation 4846080 (VCV004846080.1).
Genomic context (GRCh38, chr2:168,923,650, plus strand): 5'-GCGTCATGTGTGTCTGAGATTCTTGCATTGGGTCAACTGATGGGGGATCCAGTGGTGACT[A>G]GTTTGTAGTAGGCTCCTTTTTGGGCCATCAGTTCTTCATGGGTCCCCTTTTCAATCACCA-3'
Protein context (NP_003733.2, residues 1303-1321): LMAQKGAYYK[Leu1313Pro]VTTGSPIS